The following is an entry in ClinVar:

NM_001330260.2(SCN8A):c.2726A>G (p.Asn909Ser)

Gene: SCN8A (sodium voltage-gated channel alpha subunit 8; plus strand). Cytogenetic location: 12q13.13.
Variant type: single nucleotide variant.
Coding change: c.2726A>G on transcript NM_001330260.2 (MANE Select); coding-DNA position 2726, A replaced by G.
Protein change: p.Asn909Ser; replaces asparagine 909 with serine.
Molecular consequence: missense variant.
Genome position (GRCh38, 1-based): chr12:51,765,852, A>G. VCF-style: chr12-51765852-A-G. GRCh37 (hg19) VCF-style: chr12-52159636-A-G.
Other names: c.2726A>G, p.Asn909Ser (NM_001177984.3, NM_001369788.1, NM_014191.4); short protein forms N909S.
Identifiers: ClinVar variation 2045691 (VCV002045691.28), dbSNP rs776493877, ClinGen allele CA6571506.

ClinVar aggregate classification (germline): Conflicting classifications of pathogenicity. Review status: criteria provided, conflicting classifications (1 of 4 stars). 3 submissions from 3 submitters: Uncertain significance (2); Likely benign (1). Last evaluated 2024-11-01.

Conditions:
Early-infantile DEE. Also called: Early infantile epileptic encephalopathy; Early infantile epileptic encephalopathy with suppression bursts; Ohtahara syndrome. Identifiers: Orphanet 1934, MedGen C0393706, MONDO:0800491.

Allele frequency attached by ClinVar (database versions not stated): gnomAD exomes below 0.00001; ExAC 0.00001; TOPMed 0.00001.
gnomAD v4.1: 6 of 1,614,022 alleles (0.00037%); highest among the groups gnomAD compares: Middle Eastern, 0.033%; no homozygotes.

Submissions (3):

CeGaT Center for Human Genetics Tuebingen
Classification: Likely benign. Last evaluated: 2024-11-01. Review status: criteria provided, single submitter. Criteria: CeGaT Center For Human Genetics Tuebingen Variant Classification Criteria Version 2. Collection method: clinical testing. Allele origin: germline. Affected: yes. Observed: 2 variant alleles.
Comment: SCN8A: PP2, BS1

Labcorp Genetics (formerly Invitae), Labcorp
Classification: Uncertain significance for Early-infantile DEE. Last evaluated: 2022-08-25. Review status: criteria provided, single submitter. Criteria: Invitae Variant Classification Sherloc (09022015). Collection method: clinical testing. Allele origin: germline.
Comment: This variant has not been reported in the literature in individuals affected with SCN8A-related conditions. This sequence change replaces asparagine, which is neutral and polar, with serine, which is neutral and polar, at codon 909 of the SCN8A protein (p.Asn909Ser). This variant is present in population databases (rs776493877, gnomAD 0.0009%). Algorithms developed to predict the effect of missense changes on protein structure and function output the following: SIFT: "Tolerated"; PolyPhen-2: "Benign"; Align-GVGD: "Class C0". The serine amino acid residue is found in multiple mammalian species, which suggests that this missense change does not adversely affect protein function. In summary, the available evidence is currently insufficient to determine the role of this variant in disease. Therefore, it has been classified as a Variant of Uncertain Significance.

Institute for Clinical Genetics, University Hospital TU Dresden, University Hospital TU Dresden
Classification: Uncertain significance. Last evaluated: 2022-05-03. Review status: criteria provided, single submitter. Criteria: ACMG Guidelines, 2015. Collection method: clinical testing. Allele origin: maternal.
Comment: PM2_SUP, PP2